The following is an entry in ClinVar:

ClinVar aggregate classification (germline): Uncertain significance. Review status: criteria provided, multiple submitters, no conflicts (2 of 4 stars). 4 submissions from 4 submitters: Uncertain significance (4). Last evaluated 2025-09-17.

Conditions:
Inborn genetic diseases. Identifiers: MedGen C0950123, MeSH D030342.

Allele frequency attached by ClinVar (database versions not stated): gnomAD 0.00001; gnomAD exomes 0.00001; ExAC 0.00002; TOPMed 0.00002.
gnomAD v4.1: 20 of 1,613,880 alleles (0.0012%); highest among the groups gnomAD compares: East Asian, 0.0067%; no homozygotes.

Submissions (4):

Labcorp Genetics (formerly Invitae), Labcorp
Classification: Uncertain significance. Last evaluated: 2025-09-17. Review status: criteria provided, single submitter. Criteria: Invitae Variant Classification Sherloc (09022015). Collection method: clinical testing. Allele origin: germline.
Comment: This sequence change replaces proline, which is neutral and non-polar, with leucine, which is neutral and non-polar, at codon 477 of the ANKH protein (p.Pro477Leu). This variant is present in population databases (rs773377820, gnomAD 0.01%). This variant has not been reported in the literature in individuals affected with ANKH-related conditions. ClinVar contains an entry for this variant (Variation ID: 1469882). An algorithm developed to predict the effect of missense changes on protein structure and function (PolyPhen-2) suggests that this variant is likely to be tolerated. In summary, the available evidence is currently insufficient to determine the role of this variant in disease. Therefore, it has been classified as a Variant of Uncertain Significance.

CeGaT Center for Human Genetics Tuebingen
Classification: Uncertain significance. Last evaluated: 2024-06-01. Review status: criteria provided, single submitter. Criteria: CeGaT Center For Human Genetics Tuebingen Variant Classification Criteria Version 2. Collection method: clinical testing. Allele origin: germline. Affected: yes. Observed: 1 variant allele.

Ambry Genetics
Classification: Uncertain significance for Inborn genetic diseases. Last evaluated: 2023-09-22. Review status: criteria provided, single submitter. Criteria: Ambry Variant Classification Scheme 2023. Collection method: clinical testing. Allele origin: germline.

Breakthrough Genomics
Classification: Uncertain significance. Review status: criteria provided, single submitter. Criteria: ACMG Guidelines, 2015. Collection method: not provided. Allele origin: germline. Inheritance: Autosomal dominant inheritance. Affected: yes.

NM_054027.6(ANKH):c.1430C>T (p.Pro477Leu)

Genes: ANKH (ANKH inorganic pyrophosphate transport regulator; minus strand), OTULIN (OTU deubiquitinase with linear linkage specificity; plus strand). Cytogenetic location: 5p15.2.
Variant type: single nucleotide variant.
Coding change: c.1430C>T on transcript NM_054027.6 (MANE Select); coding-DNA position 1430, C replaced by T.
Protein change: p.Pro477Leu; replaces proline 477 with leucine.
Molecular consequence: missense variant.
Genome position (GRCh38, 1-based): chr5:14,711,246, G>A on the plus strand (C>T on the coding strand, the complement: ANKH is on the minus strand). VCF-style: chr5-14711246-G-A. GRCh37 (hg19) VCF-style: chr5-14711355-G-A.
Other names: c.1430C>T (NM_054027.4); short protein forms P477L.
Identifiers: ClinVar variation 1469882 (VCV001469882.27), dbSNP rs773377820, ClinGen allele CA3208782.